The following is an entry in ClinVar:

NM_004525.3(LRP2):c.2460A>G (p.Thr820=)

Gene: LRP2 (LDL receptor related protein 2; minus strand). Cytogenetic location: 2q31.1.
Variant type: single nucleotide variant.
Coding change: c.2460A>G on transcript NM_004525.3 (MANE Select); coding-DNA position 2460, A replaced by G.
Protein change: p.Thr820=; no amino-acid change (threonine 820 retained).
Molecular consequence: synonymous variant.
Genome position (GRCh38, 1-based): chr2:169,259,078, T>C on the plus strand (A>G on the coding strand, the complement: LRP2 is on the minus strand). VCF-style: chr2-169259078-T-C. GRCh37 (hg19) VCF-style: chr2-170115588-T-C.
Other names: p.Thr820=.
Identifiers: ClinVar variation 129510 (VCV000129510.31), dbSNP rs2241190, ClinGen allele CA153568.

ClinVar aggregate classification (germline): Benign. Review status: criteria provided, multiple submitters, no conflicts (2 of 4 stars). 11 submissions from 11 submitters: Benign (8). 3 of the submissions do not count toward it. Last evaluated 2026-02-04.

Conditions:
Donnai-Barrow syndrome. Also called: FACIOOCULOACOUSTICORENAL SYNDROME; DBS/FOAR SYNDROME. Identifiers: Orphanet 2143, MedGen C1857277, MONDO:0009104, OMIM 222448.

Allele frequency attached by ClinVar (database versions not stated): ESP Exome Variant Server 0.54275; gnomAD 0.54408 and 0.54926; gnomAD exomes 0.54625; ExAC 0.54644; TOPMed 0.56735; 1000 Genomes Project 0.62240; 1000 Genomes Project 30x 0.62648.
gnomAD v4.1: 801,868 of 1,612,380 alleles (50%); highest among the groups gnomAD compares: South Asian, 75%; 206,412 homozygotes.

Submissions (11):

Labcorp Genetics (formerly Invitae), Labcorp
Classification: Benign. Last evaluated: 2026-02-04. Review status: criteria provided, single submitter. Criteria: Invitae Variant Classification Sherloc (09022015). Collection method: clinical testing. Allele origin: germline.

Blueprint Genetics
Classification: Benign. Last evaluated: 2024-11-26. Review status: criteria provided, single submitter. Criteria: ACMG Guidelines, 2015. Collection method: clinical testing. Allele origin: germline.

Mayo Clinic Laboratories, Mayo Clinic
Classification: Benign. Last evaluated: 2022-11-10. Review status: criteria provided, single submitter. Criteria: ACMG Guidelines, 2015. Collection method: clinical testing. Allele origin: germline. Observed: 96 variant alleles.

Genome-Nilou Lab
Classification: Benign for Donnai-Barrow syndrome. Last evaluated: 2021-08-19. Review status: criteria provided, single submitter. Criteria: ACMG Guidelines, 2015. Collection method: clinical testing. Allele origin: germline. Affected: no.

Illumina Laboratory Services, Illumina
Classification: Benign for Donnai-Barrow syndrome. Last evaluated: 2018-01-12. Review status: criteria provided, single submitter. Criteria: ICSL Variant Classification Criteria 13 December 2019. Collection method: clinical testing. Allele origin: germline.
Comment: This variant was observed in the ICSL laboratory as part of a predisposition screen in an ostensibly healthy population. It had not been previously curated by ICSL or reported in the Human Gene Mutation Database (HGMD: prior to June 1st, 2018), and was therefore a candidate for classification through an automated scoring system. Utilizing variant allele frequency, disease prevalence and penetrance estimates, and inheritance mode, an automated score was calculated to assess if this variant is too frequent to cause the disease. Based on the score and internal cut-off values, a variant classified as benign is not then subjected to further curation. The score for this variant resulted in a classification of benign for this disease.

GeneDx
Classification: Benign. Last evaluated: 2015-03-03. Review status: criteria provided, single submitter. Criteria: GeneDx Variant Classification Process June 2021. Collection method: clinical testing. Allele origin: germline. Affected: yes.

Breakthrough Genomics
Classification: Benign. Review status: criteria provided, single submitter. Criteria: ACMG Guidelines, 2015. Collection method: not provided. Allele origin: germline. Inheritance: Autosomal recessive inheritance. Affected: yes.

PreventionGenetics, part of Exact Sciences
Classification: Benign. Review status: criteria provided, single submitter. Criteria: ACMG Guidelines, 2015. Collection method: clinical testing. Allele origin: germline.

Diagnostic Laboratory, Department of Genetics, University Medical Center Groningen
Classification: Benign. Review status: no assertion criteria provided. Collection method: clinical testing. Allele origin: germline. Affected: yes. Study: VKGL Data-share Consensus. Not counted in ClinVar's aggregate classification.

Genetic Services Laboratory, University of Chicago
Classification: Likely benign for AllHighlyPenetrant. Review status: no assertion criteria provided. Collection method: clinical testing. Allele origin: germline. Inheritance: Autosomal recessive inheritance. Not counted in ClinVar's aggregate classification.
Comment: Likely benign based on allele frequency in 1000 Genomes Project or ESP global frequency and its presence in a patient with a rare or unrelated disease phenotype. NOT Sanger confirmed.

Joint Genome Diagnostic Labs from Nijmegen and Maastricht, Radboudumc and MUMC+
Classification: Benign. Review status: no assertion criteria provided. Collection method: clinical testing. Allele origin: germline. Affected: yes. Study: VKGL Data-share Consensus. Not counted in ClinVar's aggregate classification.